The following is an entry in ClinVar:

NM_017777.4(MKS1):c.492_497del (p.Arg165_Arg166del)

Gene: MKS1 (MKS transition zone complex subunit 1; minus strand). Cytogenetic location: 17q22.
Variant type: Deletion.
Coding change: c.492_497del on transcript NM_017777.4 (MANE Select); coding-DNA positions 492 to 497, 6 bases deleted (TCGCCG; older notation c.492_497delTCGCCG).
Protein change: p.Arg165_Arg166del.
Molecular consequence: inframe deletion. On other transcripts: inframe indel (1), intron variant (1).
Genome position (GRCh38, 1-based): chr17:58,214,759-58,214,764, CGGCGA deleted on the plus strand (TCGCCG on the coding strand, the reverse complement: MKS1 is on the minus strand); deleting any 6 consecutive bases within chr17:58,214,759-58,214,766 gives the same sequence; the c. name uses the placement nearest the transcript's 3' end. VCF-style (leftmost placement, unchanged base first): chr17-58214758-CCGGCGA-C. GRCh37 (hg19) VCF-style: chr17-56292119-CCGGCGA-C.
Other names: c.492_497del, p.Arg165_Arg166del (NM_001321269.2, NM_001330397.2, NM_001411113.1); c.490_495delCGTCGC, p.Arg165_Arg166del (NM_017777.3); c.-94-377_-94-372del (NM_001321268.2); c.492_497del (NM_017777.3).
Identifiers: ClinVar variation 2942843 (VCV002942843.4), dbSNP rs2509447942, ClinGen allele CA2740093808.
Genomic context (GRCh38, chr17:58,214,758, plus strand): 5'-ATAAAAAGTAAAAGCTTGTCCCCCATCCCATGCCCGCACTCACATCCCTCGCCTGTCCTG[CCGGCGA>C]CGCCTGACATTTGCCATTCGCTCGACCAAGAATGAAGGCACCTCGCTGGCTGCAGTGGTC-3'

ClinVar aggregate classification (germline): Pathogenic. Review status: criteria provided, single submitter (1 of 4 stars). 2 submissions from 2 submitters: Pathogenic (1). 1 of the submissions does not count toward it. Last evaluated 2024-02-26.

Conditions:
Joubert syndrome. Also called: CEREBELLOPARENCHYMAL DISORDER IV; JOUBERT-BOLTSHAUSER SYNDROME; Familial aplasia of the vermis. Identifiers: Orphanet 475, MedGen C5979921, MONDO:0018772.
Meckel-Gruber syndrome. Also called: DYSENCEPHALIA SPLANCHNOCYSTICA; GRUBER SYNDROME; Dysencephalia splachnocystica. Identifiers: Orphanet 564, MedGen C0265215, MONDO:0018921.
Meckel syndrome, type 1 (MKS1). Also called: MECKEL-GRUBER SYNDROME, TYPE 1. Identifiers: Orphanet 564, MedGen C3714506, MONDO:0009571, OMIM 249000.

Submissions (2):

Labcorp Genetics (formerly Invitae), Labcorp
Classification: Pathogenic for Joubert syndrome; Meckel-Gruber syndrome. Last evaluated: 2024-02-26. Review status: criteria provided, single submitter. Criteria: Invitae Variant Classification Sherloc (09022015). Collection method: clinical testing. Allele origin: germline.
Comment: This variant, c.492_497del, results in the deletion of 2 amino acid(s) of the MKS1 protein (p.Arg165_Arg166del), but otherwise preserves the integrity of the reading frame. This variant is not present in population databases (gnomAD no frequency). This variant has not been reported in the literature in individuals affected with MKS1-related conditions. Algorithms developed to predict the effect of sequence changes on RNA splicing suggest that this variant may disrupt the consensus splice site. This variant disrupts a region of the MKS1 protein in which other variant(s) (p.Arg166) have been determined to be pathogenic (PMID: 19466712). This suggests that this is a clinically significant region of the protein, and that variants that disrupt it are likely to be disease-causing. For these reasons, this variant has been classified as Pathogenic.

Natera, Inc.
Classification: Uncertain significance for Meckel syndrome type 1. Last evaluated: 2025-02-21. Review status: no assertion criteria provided. Collection method: clinical testing. Allele origin: germline. Not counted in ClinVar's aggregate classification.

Literature cited by the submitters: PubMed 19466712 (cited by Labcorp Genetics (formerly Invitae), Labcorp).